The following is an entry in ClinVar:

NM_000548.5(TSC2):c.770G>A (p.Trp257Ter)

Gene: TSC2 (TSC complex subunit 2; plus strand). Cytogenetic location: 16p13.3.
Variant type: single nucleotide variant.
Coding change: c.770G>A on transcript NM_000548.5 (MANE Select); coding-DNA position 770, G replaced by A.
Protein change: p.Trp257Ter; replaces tryptophan 257 with a stop codon.
Molecular consequence: nonsense.
Genome position (GRCh38, 1-based): chr16:2,056,765, G>A. VCF-style: chr16-2056765-G-A. GRCh37 (hg19) VCF-style: chr16-2106766-G-A.
Other names: c.770G>A, p.Trp257Ter (NM_001077183.3, NM_001114382.3, NM_001363528.2 and 6 more transcripts); c.659G>A, p.Trp220Ter (NM_001318827.2, NM_001406670.1, NM_001406678.1); c.623G>A, p.Trp208Ter (NM_001318829.2, NM_001406675.1, NM_001406676.1 and 1 more transcripts); c.170G>A, p.Trp57Ter (NM_001318831.2, NM_001406680.1, NM_001406682.1 and 6 more transcripts); c.803G>A, p.Trp268Ter (NM_001318832.2); c.860G>A, p.Trp287Ter (NM_001406667.1, NM_001406668.1); c.758G>A, p.Trp253Ter (NM_001406671.1, NM_001406673.1); c.713G>A, p.Trp238Ter (NM_001406677.1); and 4 more; short protein forms W103*, W253*, W257*, W208*, W220*, W268*, W238*, W57*.
Identifiers: ClinVar variation 2137758 (VCV002137758.5), dbSNP rs2151081778, ClinGen allele CA394312820.
Genomic context (GRCh38, chr16:2,056,765, plus strand): 5'-CGCTGTTCATCGTTACCCTCTGTCGCACCATCAACGTCAAGGAGCTCTGCGAGCCTTGCT[G>A]GAAGGTGGGGTTTCTGAAACTGCTCTGGAAGGTTCCTGAGAGCACATGGATGGGACAAGG-3'

ClinVar aggregate classification (germline): Pathogenic. Review status: criteria provided, multiple submitters, no conflicts (2 of 4 stars). 2 submissions from 2 submitters: Pathogenic (2). Last evaluated 2025-02-16.

Conditions:
Tuberous sclerosis 2 (TSC2). Identifiers: Orphanet 805, MedGen C1860707, MONDO:0013199, OMIM 613254.

Submissions (2):

Laboratory of Genetics, Children's Clinical University Hospital Latvia
Classification: Pathogenic. Last evaluated: 2025-02-16. Review status: criteria provided, single submitter. Criteria: ACMG Guidelines, 2015. Collection method: clinical testing. Allele origin: germline. Affected: yes.

Labcorp Genetics (formerly Invitae), Labcorp
Classification: Pathogenic for Tuberous sclerosis 2. Last evaluated: 2022-06-08. Review status: criteria provided, single submitter. Criteria: Invitae Variant Classification Sherloc (09022015). Collection method: clinical testing. Allele origin: germline.
Comment: For these reasons, this variant has been classified as Pathogenic. This premature translational stop signal has been observed in individual(s) with tuberous sclerosis complex (PMID: 22791573). This variant is not present in population databases (gnomAD no frequency). This sequence change creates a premature translational stop signal (p.Trp257*) in the TSC2 gene. It is expected to result in an absent or disrupted protein product. Loss-of-function variants in TSC2 are known to be pathogenic (PMID: 10205261, 17304050).

Literature cited by the submitters: PubMed 22791573 (cited by Labcorp Genetics (formerly Invitae), Labcorp); PubMed 10205261 (cited by Labcorp Genetics (formerly Invitae), Labcorp); PubMed 17304050 (cited by Labcorp Genetics (formerly Invitae), Labcorp).